The following is an entry in ClinVar:

NM_020884.7(MYH7B):c.957C>T (p.Gly319=)

Gene: MYH7B (myosin heavy chain 7B; plus strand). Cytogenetic location: 20q11.22.
Variant type: single nucleotide variant.
Coding change: c.957C>T on transcript NM_020884.7 (MANE Select); coding-DNA position 957, C replaced by T.
Protein change: p.Gly319=; no amino-acid change (glycine 319 retained).
Molecular consequence: synonymous variant.
Genome position (GRCh38, 1-based): chr20:34,986,938, C>T. VCF-style: chr20-34986938-C-T. GRCh37 (hg19) VCF-style: chr20-33574741-C-T.
Other names: c.1083C>T (NM_020884.4).
Identifiers: ClinVar variation 2145118 (VCV002145118.29), dbSNP rs146544899, ClinGen allele CA9826725.

ClinVar aggregate classification (germline): Benign/Likely benign. Review status: criteria provided, multiple submitters, no conflicts (2 of 4 stars). 3 submissions from 3 submitters: Benign (1); Likely benign (1). 1 of the submissions does not count toward it. Last evaluated 2025-09-01.

Conditions:
MYH7B-related disorder. Also called: MYH7B-related condition.

Allele frequency attached by ClinVar (database versions not stated): ExAC 0.00022; ESP Exome Variant Server 0.00071; gnomAD 0.00076; TOPMed 0.00090; 1000 Genomes Project 30x 0.00094; 1000 Genomes Project 0.00100.
gnomAD v4.1: 221 of 1,614,088 alleles (0.014%); highest among the groups gnomAD compares: African/African-American, 0.27%; no homozygotes.

Submissions (3):

Labcorp Genetics (formerly Invitae), Labcorp
Classification: Benign. Last evaluated: 2025-09-01. Review status: criteria provided, single submitter. Criteria: Invitae Variant Classification Sherloc (09022015). Collection method: clinical testing. Allele origin: germline.

CeGaT Center for Human Genetics Tuebingen
Classification: Likely benign. Last evaluated: 2022-05-01. Review status: criteria provided, single submitter. Criteria: CeGaT Center For Human Genetics Tuebingen Variant Classification Criteria Version 2. Collection method: clinical testing. Allele origin: germline. Affected: yes. Observed: 1 variant allele.
Comment: MYH7B: BP4, BP7

PreventionGenetics, part of Exact Sciences
Classification: Likely benign for MYH7B-related condition. Last evaluated: 2020-01-16. Review status: no assertion criteria provided. Collection method: clinical testing. Allele origin: germline. Not counted in ClinVar's aggregate classification.
Comment: This variant is classified as likely benign based on ACMG/AMP sequence variant interpretation guidelines (Richards et al. 2015 PMID: 25741868, with internal and published modifications).